The following is an entry in ClinVar:

NM_002890.3(RASA1):c.2582T>C (p.Met861Thr)

Genes: CCNH (cyclin H; minus strand), RASA1 (RAS p21 protein activator 1; plus strand). Cytogenetic location: 5q14.3.
Variant type: single nucleotide variant.
Coding change: c.2582T>C on transcript NM_002890.3 (MANE Select); coding-DNA position 2582, T replaced by C.
Protein change: p.Met861Thr; replaces methionine 861 with threonine.
Molecular consequence: missense variant. On other transcripts: intron variant (1).
Genome position (GRCh38, 1-based): chr5:87,379,829, T>C. VCF-style: chr5-87379829-T-C. GRCh37 (hg19) VCF-style: chr5-86675646-T-C.
Other names: c.2051T>C, p.Met684Thr (NM_022650.3); c.933+15215A>G (NM_001364075.2); short protein forms M861T, M684T.
Identifiers: ClinVar variation 963390 (VCV000963390.10), dbSNP rs1761583366, ClinGen allele CA360384092.
Genomic context (GRCh38, chr5:87,379,829, plus strand): 5'-TGAACACTAATTTAACACACCTATTGAACATACTTTCAGAGCTTGTGGAGAAAATATTCA[T>C]GGCTTCAGAAATACTTCCACCGTAAGTGGTGAAATTTTCATTTGACAAGAAATTGTGTAT-3'
Protein context (NP_002881.1, residues 851-871): ILSELVEKIF[Met861Thr]ASEILPPTLR

ClinVar aggregate classification (germline): Uncertain significance (1 of 4 stars; one submission).

Conditions:
Capillary malformation-arteriovenous malformation syndrome. Also called: Capillary malformation-arteriovenous malformation. Identifiers: Orphanet 137667, MedGen C1842180, MONDO:0012016.

Allele frequency attached by ClinVar (database versions not stated): gnomAD exomes 0.00001.
gnomAD v4.1: 8 of 1,612,750 alleles (0.0005%); highest among the groups gnomAD compares: Non-Finnish European, 0.00068%; no homozygotes.

Submission:

Labcorp Genetics (formerly Invitae), Labcorp
Classification: Uncertain significance for Capillary malformation-arteriovenous malformation syndrome. Last evaluated: 2023-05-01. Review status: criteria provided, single submitter. Criteria: Invitae Variant Classification Sherloc (09022015). Collection method: clinical testing. Allele origin: germline.
Comment: ClinVar contains an entry for this variant (Variation ID: 963390). In summary, the available evidence is currently insufficient to determine the role of this variant in disease. Therefore, it has been classified as a Variant of Uncertain Significance. An algorithm developed to predict the effect of missense changes on protein structure and function (PolyPhen-2) suggests that this variant is likely to be tolerated. This variant has not been reported in the literature in individuals affected with RASA1-related conditions. This variant is not present in population databases (gnomAD no frequency). This sequence change replaces methionine, which is neutral and non-polar, with threonine, which is neutral and polar, at codon 861 of the RASA1 protein (p.Met861Thr).